The following is an entry in ClinVar:

NM_019888.3(MC3R):c.955G>T (p.Gly319Cys)

Gene: MC3R (melanocortin 3 receptor; plus strand). Cytogenetic location: 20q13.2.
Variant type: single nucleotide variant.
Coding change: c.955G>T on transcript NM_019888.3 (MANE Select); coding-DNA position 955, G replaced by T.
Protein change: p.Gly319Cys; replaces glycine 319 with cysteine.
Molecular consequence: missense variant.
Genome position (GRCh38, 1-based): chr20:56,249,798, G>T. VCF-style: chr20-56249798-G-T. GRCh37 (hg19) VCF-style: chr20-54824854-G-T.
Other names: short protein forms G319C.
Identifiers: ClinVar variation 3607558 (VCV003607558.3).

ClinVar aggregate classification (germline): Uncertain significance. Review status: criteria provided, multiple submitters, no conflicts (2 of 4 stars). 2 submissions from 2 submitters: Uncertain significance (2). Last evaluated 2026-08-07.

Conditions:
MC3R-related disorder. Also called: MC3R-related condition.

gnomAD v4.1: 20 of 1,613,912 alleles (0.0012%); highest among the groups gnomAD compares: African/African-American, 0.015%; no homozygotes.

Submissions (2):

PreventionGenetics, part of Exact Sciences
Classification: Uncertain significance for MC3R-related condition. Last evaluated: 2026-08-07. Review status: criteria provided, single submitter. Criteria: ACMG Guidelines, 2015. Collection method: clinical testing. Allele origin: germline.
Comment: The MC3R c.955G>T variant is predicted to result in the amino acid substitution p.Gly319Cys. To our knowledge, this variant has not been reported in the literature. This variant is reported in 0.020% of alleles in individuals of African descent in gnomAD. At this time, the clinical significance of this variant is uncertain due to the absence of conclusive functional and genetic evidence.

Labcorp Genetics (formerly Invitae), Labcorp
Classification: Uncertain significance. Last evaluated: 2024-11-30. Review status: criteria provided, single submitter. Criteria: Invitae Variant Classification Sherloc (09022015). Collection method: clinical testing. Allele origin: germline.
Comment: This sequence change replaces glycine, which is neutral and non-polar, with cysteine, which is neutral and slightly polar, at codon 319 of the MC3R protein (p.Gly319Cys). This variant is present in population databases (rs761810069, gnomAD 0.02%). This variant has not been reported in the literature in individuals affected with MC3R-related conditions. An algorithm developed to predict the effect of missense changes on protein structure and function (PolyPhen-2) suggests that this variant is likely to be tolerated. In summary, the available evidence is currently insufficient to determine the role of this variant in disease. Therefore, it has been classified as a Variant of Uncertain Significance.